The following is an entry in ClinVar:

NM_017617.5(NOTCH1):c.751G>A (p.Gly251Ser)

Gene: NOTCH1 (notch receptor 1; minus strand). Cytogenetic location: 9q34.3.
Variant type: single nucleotide variant.
Coding change: c.751G>A on transcript NM_017617.5 (MANE Select); coding-DNA position 751, G replaced by A.
Protein change: p.Gly251Ser; replaces glycine 251 with serine.
Molecular consequence: missense variant.
Genome position (GRCh38, 1-based): chr9:136,519,557, C>T on the plus strand (G>A on the coding strand, the complement: NOTCH1 is on the minus strand). VCF-style: chr9-136519557-C-T. GRCh37 (hg19) VCF-style: chr9-139414009-C-T.
Other names: p.Gly251Ser; c.751G>A, p.Gly251Ser (LRG_1122t1); c.751G>A (NM_017617.4); short protein forms G251S.
Identifiers: ClinVar variation 409064 (VCV000409064.15), dbSNP rs755667439, ClinGen allele CA5342048.

ClinVar aggregate classification (germline): Conflicting classifications of pathogenicity. Review status: criteria provided, conflicting classifications (1 of 4 stars). 7 submissions from 6 submitters: Uncertain significance (6); Likely benign (1). Last evaluated 2025-12-09.

Conditions:
NOTCH1-related disorder. Also called: NOTCH1-related disorders; NOTCH1-related condition.
Adams-Oliver syndrome 5 (AOS5). Identifiers: Orphanet 974, MedGen C4014970, MONDO:0014459, OMIM 616028.
Familial thoracic aortic aneurysm and aortic dissection (TAAD). Also called: Thoracic aortic aneurysms and dissections. Identifiers: Orphanet 91387, MedGen C4707243, MONDO:0019625.
Aortic valve disease 1 (AOVD1). Identifiers: MedGen C3887892, MONDO:0024523, OMIM 109730.

Allele frequency attached by ClinVar (database versions not stated): gnomAD 0.00001; TOPMed 0.00001; ExAC 0.00002.
gnomAD v4.1: 13 of 1,612,690 alleles (0.00081%); highest among the groups gnomAD compares: Admixed American, 0.0033%; no homozygotes.

Submissions (7):

PreventionGenetics, part of Exact Sciences
Classification: Uncertain significance for NOTCH1-related condition. Last evaluated: 2025-12-09. Review status: criteria provided, single submitter. Criteria: ACMG Guidelines, 2015. Collection method: clinical testing. Allele origin: germline.
Comment: The NOTCH1 c.751G>A variant is predicted to result in the amino acid substitution p.Gly251Ser. To our knowledge, this variant has not been reported in the literature. This variant is reported in 0.0058% of alleles in individuals of Latino descent in gnomAD. At this time, the clinical significance of this variant is uncertain due to the absence of conclusive functional and genetic evidence.

Ambry Genetics
Classification: Uncertain significance for Familial thoracic aortic aneurysm and aortic dissection. Last evaluated: 2025-03-22. Review status: criteria provided, single submitter. Criteria: Ambry Variant Classification Scheme 2023. Collection method: clinical testing. Allele origin: germline.

Labcorp Genetics (formerly Invitae), Labcorp
Classification: Likely benign for Adams-Oliver syndrome 5. Last evaluated: 2024-04-08. Review status: criteria provided, single submitter. Criteria: Invitae Variant Classification Sherloc (09022015). Collection method: clinical testing. Allele origin: germline.

Mayo Clinic Laboratories, Mayo Clinic
Classification: Uncertain significance. Last evaluated: 2023-02-14. Review status: criteria provided, single submitter. Criteria: ACMG Guidelines, 2015. Collection method: clinical testing. Allele origin: germline. Observed: 3 variant alleles.
Comment: PP3

Genome-Nilou Lab
Classification: Uncertain significance for Adams-Oliver syndrome 5. Last evaluated: 2022-03-15. Review status: criteria provided, single submitter. Criteria: ACMG Guidelines, 2015. Collection method: clinical testing. Allele origin: germline. Affected: no.

Genome-Nilou Lab
Classification: Uncertain significance for Aortic valve disease 1. Last evaluated: 2022-03-15. Review status: criteria provided, single submitter. Criteria: ACMG Guidelines, 2015. Collection method: clinical testing. Allele origin: germline. Affected: no.

AiLife Diagnostics
Classification: Uncertain significance. Last evaluated: 2022-02-05. Review status: criteria provided, single submitter. Criteria: ACMG Guidelines, 2015. Collection method: clinical testing. Allele origin: germline. Affected: yes. Observed: 2 variant alleles.